The following is an entry in ClinVar:

ClinVar aggregate classification (germline): Conflicting classifications of pathogenicity. Review status: criteria provided, conflicting classifications (1 of 4 stars). 3 submissions from 3 submitters: Likely pathogenic (1); Uncertain significance (2). Last evaluated 2025-11-11.

Conditions:
Thyroid dyshormonogenesis 6 (TDH6). Also called: Genetic transient congenital hypothyroidism; HYPOTHYROIDISM, CONGENITAL, DUE TO DYSHORMONOGENESIS, 6; THYROID HORMONOGENESIS, GENETIC DEFECT IN, 6. Identifiers: Orphanet 226316, Orphanet 95716, MedGen C1846632, MONDO:0011792, OMIM 607200.

Allele frequency attached by ClinVar (database versions not stated): gnomAD exomes 0.00002 and 0.00003; ExAC 0.00003; TOPMed 0.00003; gnomAD 0.00004; ESP Exome Variant Server 0.00023.
gnomAD v4.1: 36 of 1,613,958 alleles (0.0022%); highest among the groups gnomAD compares: East Asian, 0.011%; no homozygotes.

Submissions (3):

Labcorp Genetics (formerly Invitae), Labcorp
Classification: Likely pathogenic. Last evaluated: 2025-11-11. Review status: criteria provided, single submitter. Criteria: Invitae Variant Classification Sherloc (09022015). Collection method: clinical testing. Allele origin: germline.
Comment: This sequence change replaces arginine, which is basic and polar, with cysteine, which is neutral and slightly polar, at codon 516 of the DUOX2 protein (p.Arg516Cys). This variant is present in population databases (rs138461488, gnomAD 0.01%). This missense change has been observed in individual(s) with autosomal recessive congenital hypothyroidism (PMID: 36207832, 37390946). In at least one individual the data is consistent with being in trans (on the opposite chromosome) from a pathogenic variant. ClinVar contains an entry for this variant (Variation ID: 1427812). Invitae Evidence Modeling of protein sequence and biophysical properties (such as structural, functional, and spatial information, amino acid conservation, physicochemical variation, residue mobility, and thermodynamic stability) indicates that this missense variant is expected to disrupt DUOX2 protein function with a positive predictive value of 80%. In summary, the currently available evidence indicates that the variant is pathogenic, but additional data are needed to prove that conclusively. Therefore, this variant has been classified as Likely Pathogenic.

Women's Health and Genetics/Laboratory Corporation of America, LabCorp
Classification: Uncertain significance. Last evaluated: 2025-07-23. Review status: criteria provided, single submitter. Criteria: LabCorp Variant Classification Summary - May 2015. Collection method: clinical testing. Allele origin: germline.
Comment: Variant summary: DUOX2 c.1546C>T (p.Arg516Cys) results in a non-conservative amino acid change in the encoded protein sequence. Algorithms developed to predict the effect of missense changes on protein structure and function all suggest that this variant is likely to be disruptive. The variant allele was found at a frequency of 3.2e-05 in 251472 control chromosomes. c.1546C>T has been observed in the presumed compound heterozygous state in at least 2 individual(s) affected with clinical features of Thyroid Dyshormonogenesis 6 (example, Gong_2022, Zhang_2023). These data indicate that the variant may be associated with disease. To our knowledge, no experimental evidence demonstrating an impact on protein function has been reported. The following publications have been ascertained in the context of this evaluation (PMID: 36207832, 37390946, 33651715). ClinVar contains an entry for this variant (Variation ID: 1427812). Based on the evidence outlined above, the variant was classified as VUS-possibly pathogenic.

Juno Genomics, Hangzhou Juno Genomics, Inc
Classification: Uncertain significance for Thyroid dyshormonogenesis 6. Review status: criteria provided, single submitter. Criteria: ACMG Guidelines, 2015. Collection method: clinical testing. Allele origin: germline.
Comment: Absent from controls (or at extremely low frequency if recessive) in Genome Aggregation Database.;Multiple lines of computational evidence support a deleterious effect on the gene or gene product.;For recessive disorders, detected in trans with a pathogenic variant.;Patient's phenotype or family history is highly specific for a disease with a single genetic etiology.

Literature cited by the submitters: PubMed 36207832 (cited by Labcorp Genetics (formerly Invitae), Labcorp and Women's Health and Genetics/Laboratory Corporation of America, LabCorp); PubMed 37390946 (cited by Labcorp Genetics (formerly Invitae), Labcorp and Women's Health and Genetics/Laboratory Corporation of America, LabCorp); PubMed 33651715 (cited by Women's Health and Genetics/Laboratory Corporation of America, LabCorp).

NM_001363711.2(DUOX2):c.1546C>T (p.Arg516Cys)

Gene: DUOX2 (dual oxidase 2; minus strand). Cytogenetic location: 15q21.1.
Variant type: single nucleotide variant.
Coding change: c.1546C>T on transcript NM_001363711.2 (MANE Select); coding-DNA position 1546, C replaced by T.
Protein change: p.Arg516Cys; replaces arginine 516 with cysteine.
Molecular consequence: missense variant.
Genome position (GRCh38, 1-based): chr15:45,108,075, G>A on the plus strand (C>T on the coding strand, the complement: DUOX2 is on the minus strand). VCF-style: chr15-45108075-G-A. GRCh37 (hg19) VCF-style: chr15-45400273-G-A.
Other names: c.1546C>T, p.Arg516Cys (NM_014080.5); short protein forms R516C.
Identifiers: ClinVar variation 1427812 (VCV001427812.13), dbSNP rs138461488, ClinGen allele CA7538583.